The following is an entry in ClinVar:

NM_001013838.3(CARMIL2):c.4195+5G>C

Gene: CARMIL2 (capping protein regulator and myosin 1 linker 2; plus strand). Cytogenetic location: 16q22.1.
Variant type: single nucleotide variant.
Coding change: c.4195+5G>C on transcript NM_001013838.3 (MANE Select); 5 bases into the intron after coding-DNA position 4195, G replaced by C.
Molecular consequence: intron variant.
Genome position (GRCh38, 1-based): chr16:67,657,321, G>C. VCF-style: chr16-67657321-G-C. GRCh37 (hg19) VCF-style: chr16-67691224-G-C.
Other names: c.4006+5G>C (NM_001317026.3).
Identifiers: ClinVar variation 2203231 (VCV002203231.4), dbSNP rs1416233606, ClinGen allele CA622945999.

ClinVar aggregate classification (germline): Uncertain significance (1 of 4 stars; one submission).

Allele frequency attached by ClinVar (database versions not stated): gnomAD exomes below 0.00001; TOPMed below 0.00001.
gnomAD v4.1: 2 of 1,613,580 alleles (0.00012%); highest among the groups gnomAD compares: Admixed American, 0.0017%; no homozygotes.

Submission:

Labcorp Genetics (formerly Invitae), Labcorp
Classification: Uncertain significance. Last evaluated: 2022-06-08. Review status: criteria provided, single submitter. Criteria: Invitae Variant Classification Sherloc (09022015). Collection method: clinical testing. Allele origin: germline.
Comment: In summary, the available evidence is currently insufficient to determine the role of this variant in disease. Therefore, it has been classified as a Variant of Uncertain Significance. Variants that disrupt the consensus splice site are a relatively common cause of aberrant splicing (PMID: 17576681, 9536098). Algorithms developed to predict the effect of sequence changes on RNA splicing suggest that this variant may disrupt the consensus splice site. This variant has not been reported in the literature in individuals affected with CARMIL2-related conditions. This variant is present in population databases (no rsID available, gnomAD 0.003%). This sequence change falls in intron 37 of the CARMIL2 gene. It does not directly change the encoded amino acid sequence of the CARMIL2 protein. It affects a nucleotide within the consensus splice site.

Literature cited by the submitters: PubMed 17576681; PubMed 9536098.